The following is an entry in ClinVar:

NM_001365088.1(SLC12A6):c.2803-25T>C

Gene: SLC12A6 (solute carrier family 12 member 6; minus strand). Cytogenetic location: 15q14.
Variant type: single nucleotide variant.
Coding change: c.2803-25T>C on transcript NM_001365088.1 (MANE Select); 25 bases into the intron before coding-DNA position 2803, T replaced by C.
Molecular consequence: intron variant.
Genome position (GRCh38, 1-based): chr15:34,237,575, A>G on the plus strand (T>C on the coding strand, the complement: SLC12A6 is on the minus strand). VCF-style: chr15-34237575-A-G. GRCh37 (hg19) VCF-style: chr15-34529776-A-G.
Other names: c.2626-25T>C (NM_001042495.2, NM_001042494.2); c.2776-25T>C (NM_001042496.2); c.2758-25T>C (NM_001042497.2); c.2803-25T>C (NM_133647.2); c.2650-25T>C (NM_005135.2).
Identifiers: ClinVar variation 159893 (VCV000159893.12), dbSNP rs17817806, ClinGen allele CA173438.
Genomic context (GRCh38, chr15:34,237,575, plus strand): 5'-TACTGTGAAGATCCGTATGCTGCACTTTCGCCACACCTGAGAGAGTGACATACACATGTG[A>G]AAAATTAGAGCAAGGAGGCAAAAAAGGTTATTTCCTAAGACATTAGACATTGTGGTCTAG-3'

ClinVar aggregate classification (germline): Benign. Review status: criteria provided, multiple submitters, no conflicts (2 of 4 stars). 4 submissions from 4 submitters: Benign (3). 1 of the submissions does not count toward it. Last evaluated 2021-07-10.

Conditions:
Agenesis of the corpus callosum with peripheral neuropathy (ACCPN). Also called: Hereditary Motor and Sensory Neuropathy with Agenesis of the Corpus Callosum; POLYNEUROPATHY, SENSORIMOTOR, WITH OR WITHOUT AGENESIS OF THE CORPUS CALLOSUM; HMSN/ACC; CHARLEVOIX DISEASE. Identifiers: Orphanet 1496, MedGen C0795950, MONDO:0000902, OMIM 218000. Disease mechanism: loss of function.

Allele frequency attached by ClinVar (database versions not stated): ESP Exome Variant Server 0.14741; gnomAD 0.16133 and 0.16562; TOPMed 0.16546; gnomAD exomes 0.17803 and 0.18830; ExAC 0.18898; 1000 Genomes Project 30x 0.20159; 1000 Genomes Project 0.20707.

Submissions (4):

Genome-Nilou Lab
Classification: Benign for Agenesis of the corpus callosum with peripheral neuropathy. Last evaluated: 2021-07-10. Review status: criteria provided, single submitter. Criteria: ACMG Guidelines, 2015. Collection method: clinical testing. Allele origin: germline. Affected: no.

GeneDx
Classification: Benign. Last evaluated: 2018-06-26. Review status: criteria provided, single submitter. Criteria: GeneDx Variant Classification Process June 2021. Collection method: clinical testing. Allele origin: germline. Affected: yes.

Breakthrough Genomics
Classification: Benign. Review status: criteria provided, single submitter. Criteria: ACMG Guidelines, 2015. Collection method: not provided. Allele origin: germline. Inheritance: Autosomal recessive inheritance. Affected: yes.

Genetic Services Laboratory, University of Chicago
Classification: Likely benign. Review status: no assertion criteria provided. Collection method: clinical testing. Allele origin: germline. Inheritance: Autosomal recessive inheritance. Not counted in ClinVar's aggregate classification.
Comment: Likely benign based on allele frequency in 1000 Genomes Project or ESP global frequency and its presence in a patient with a rare or unrelated disease phenotype. NOT Sanger confirmed